The following is an entry in ClinVar:

ClinVar aggregate classification (germline): Benign (0 of 4 stars; one submission).

Conditions:
H19-related disorder. Also called: H19-related condition.

Allele frequency attached by ClinVar (database versions not stated): ExAC 0.00062; 1000 Genomes Project 0.00300.

Submission:

PreventionGenetics, part of Exact Sciences
Classification: Benign for H19-related condition. Last evaluated: 2019-03-20. Review status: no assertion criteria provided. Collection method: clinical testing. Allele origin: germline.
Comment: This variant is classified as benign based on ACMG/AMP sequence variant interpretation guidelines (Richards et al. 2015 PMID: 25741868, with internal and published modifications).

NR_002196.3(H19):n.1178T>C

Genes: H19 (H19 imprinted maternally expressed transcript; minus strand), MRPL23 (mitochondrial ribosomal protein L23; plus strand). Cytogenetic location: 11p15.5.
Variant type: single nucleotide variant.
Molecular consequence: non-coding transcript variant (on NR_002196.3). On other transcripts: intron variant (1).
Genome position: GRCh38 VCF-style: chr11-1996665-A-G. GRCh37 (hg19) VCF-style: chr11-2017895-A-G.
Other names: c.498-14876A>G (NM_001400176.1).
Identifiers: ClinVar variation 3038492 (VCV003038492.2), dbSNP rs373019918, ClinGen allele CA5817459.